The following is an entry in ClinVar:

NM_000202.8(IDS):c.237G>A (p.Ala79=)

Gene: IDS (iduronate 2-sulfatase; minus strand). Cytogenetic location: Xq28.
Variant type: single nucleotide variant.
Coding change: c.237G>A on transcript NM_000202.8 (MANE Select); coding-DNA position 237, G replaced by A.
Protein change: p.Ala79=; no amino-acid change (alanine 79 retained).
Molecular consequence: synonymous variant. On other transcripts: missense variant (1), non-coding transcript variant (1).
Genome position (GRCh38, 1-based): chrX:149,504,160, C>T on the plus strand (G>A on the coding strand, the complement: IDS is on the minus strand). VCF-style: chrX-149504160-C-T. GRCh37 (hg19) VCF-style: chrX-148585690-C-T.
Other names: c.11G>A, p.Arg4His (NM_001166550.4); c.237G>A, p.Ala79= (NM_006123.5); short protein forms R4H.
Identifiers: ClinVar variation 739285 (VCV000739285.36), dbSNP rs782183418, ClinGen allele CA10537719.
Genomic context (GRCh38, chrX:149,504,160, plus strand): 5'-CCCAACCCTCAGTGCACGAAGCAGCACACACCCACAGCTAGAGGTTCCCAGACATACCTG[C>T]GCAAAGGCATTCTGGAAGAGGAGGCTGTGGGATGCCAGTTGGTCAATATTTGGGGACCTC-3'
Protein context (NP_000193.1, residues 69-89): SHSLLFQNAF[Ala79=]QQAVCAPSRV

ClinVar aggregate classification (germline): Likely benign. Review status: criteria provided, multiple submitters, no conflicts (2 of 4 stars). 4 submissions from 4 submitters: Likely benign (3). 1 of the submissions does not count toward it. Last evaluated 2026-01-26.

Conditions:
Mucopolysaccharidosis, MPS-II (MPS2). Also called: Attenuated MPS (subtype; formerly known as mild MPS II); Severe MPS II; I2S deficiency; MPS 2; Mucopolysaccharidosis type 2; IDS deficiency. Identifiers: Orphanet 580, Orphanet 79388, MedGen C0026705, MONDO:0010674, OMIM 309900.

Allele frequency attached by ClinVar (database versions not stated): gnomAD 0.00001; TOPMed 0.00001; gnomAD exomes 0.00002 and 0.00003; ExAC 0.00003.
gnomAD v4.1: 37 of 1,205,906 alleles (0.0031%); highest among the groups gnomAD compares: Non-Finnish European, 0.0039%; no homozygotes.

Submissions (4):

Labcorp Genetics (formerly Invitae), Labcorp
Classification: Likely benign for Mucopolysaccharidosis, MPS-II. Last evaluated: 2026-01-26. Review status: criteria provided, single submitter. Criteria: Invitae Variant Classification Sherloc (09022015). Collection method: clinical testing. Allele origin: germline.

Blueprint Genetics
Classification: Likely benign. Last evaluated: 2024-09-16. Review status: criteria provided, single submitter. Criteria: ACMG Guidelines, 2015. Collection method: clinical testing. Allele origin: germline.

CeGaT Center for Human Genetics Tuebingen
Classification: Likely benign. Last evaluated: 2022-04-01. Review status: criteria provided, single submitter. Criteria: CeGaT Center For Human Genetics Tuebingen Variant Classification Criteria Version 2. Collection method: clinical testing. Allele origin: germline. Affected: yes. Observed: 1 variant allele.
Comment: IDS: BP4, BP7

Natera, Inc.
Classification: Likely benign for Mucopolysaccharidosis type II. Last evaluated: 2020-09-16. Review status: no assertion criteria provided. Collection method: clinical testing. Allele origin: germline. Not counted in ClinVar's aggregate classification.